The following is an entry in ClinVar:

NM_138694.4(PKHD1):c.1554G>A (p.Trp518Ter)

Gene: PKHD1 (PKHD1 ciliary IPT domain containing fibrocystin/polyductin; minus strand). Cytogenetic location: 6p12.2.
Variant type: single nucleotide variant.
Coding change: c.1554G>A on transcript NM_138694.4 (MANE Select); coding-DNA position 1554, G replaced by A.
Protein change: p.Trp518Ter; replaces tryptophan 518 with a stop codon.
Molecular consequence: nonsense.
Genome position (GRCh38, 1-based): chr6:52,056,938, C>T on the plus strand (G>A on the coding strand, the complement: PKHD1 is on the minus strand). VCF-style: chr6-52056938-C-T. GRCh37 (hg19) VCF-style: chr6-51921736-C-T.
Other names: c.1554G>A, p.Trp518Ter (NM_170724.3); short protein forms W518*.
Identifiers: ClinVar variation 813390 (VCV000813390.2), dbSNP rs1582002018, ClinGen allele CA364425214.

ClinVar aggregate classification (germline): Pathogenic/Likely pathogenic. Review status: criteria provided, multiple submitters, no conflicts (2 of 4 stars). 2 submissions from 2 submitters: Pathogenic (1); Likely pathogenic (1). Last evaluated 2024-05-08.

Conditions:
Polycystic kidney disease 4 (PKD4). Also called: Autosomal Recessive Polycystic Kidney Disease – PKHD1; POLYCYSTIC KIDNEY AND HEPATIC DISEASE 1; POLYCYSTIC KIDNEY DISEASE, INFANTILE, TYPE I; PKD3; POLYCYSTIC KIDNEY DISEASE 4 WITH OR WITHOUT POLYCYSTIC LIVER DISEASE. Identifiers: MedGen C4540575, MONDO:0033004, OMIM 263200.
Autosomal recessive polycystic kidney disease (ARPKD). Also called: AR polycystic kidney disease. Identifiers: Orphanet 731, Orphanet 8378, MedGen C0085548, MeSH D017044, MONDO:0009889.

Allele frequency attached by ClinVar (database versions not stated): gnomAD exomes below 0.00001.
gnomAD v4.1: 1 of 1,613,890 alleles (0.000062%); highest among the groups gnomAD compares: Non-Finnish European, 0.000085%; no homozygotes.

Submissions (2):

Myriad Genetics, Inc.
Classification: Pathogenic for Polycystic kidney disease 4. Last evaluated: 2024-05-08. Review status: criteria provided, single submitter. Criteria: Myriad Autosomal Dominant, Autosomal Recessive and X-Linked Classification Criteria (2023). Collection method: clinical testing. Allele origin: unknown.
Comment: NM_138694.3(PKHD1):c.1554G>A(W518*) is expected to be pathogenic in the context of autosomal recessive polycystic kidney disease, PKHD1-related. This variant is predicted to lead to an abnormal or absent protein product due to the creation of a premature termination codon in PKHD1, a gene where loss-of-function variants are known to be pathogenic. Please note: this variant was assessed in the context of healthy population screening.

Baylor Genetics
Classification: Likely pathogenic for Polycystic kidney disease 4. Review status: criteria provided, single submitter. Criteria: ACMG Guidelines, 2015. Collection method: clinical testing. Allele origin: germline.